The following is an entry in ClinVar:

ClinVar aggregate classification (germline): Uncertain significance. Review status: criteria provided, single submitter (1 of 4 stars). 2 submissions from 2 submitters: Uncertain significance (1). 1 of the submissions does not count toward it. Last evaluated 2024-12-18.

Conditions:
TRPC3-related disorder. Also called: TRPC3-related condition.

Allele frequency attached by ClinVar (database versions not stated): ESP Exome Variant Server 0.00031; ExAC 0.00051; gnomAD exomes 0.00053; TOPMed 0.00035; gnomAD 0.00044.

Submissions (2):

Labcorp Genetics (formerly Invitae), Labcorp
Classification: Uncertain significance. Last evaluated: 2024-12-18. Review status: criteria provided, single submitter. Criteria: Invitae Variant Classification Sherloc (09022015). Collection method: clinical testing. Allele origin: germline.
Comment: This sequence change replaces isoleucine, which is neutral and non-polar, with valine, which is neutral and non-polar, at codon 386 of the TRPC3 protein (p.Ile386Val). This variant is present in population databases (rs144632591, gnomAD 0.08%), and has an allele count higher than expected for a pathogenic variant. This variant has not been reported in the literature in individuals affected with TRPC3-related conditions. ClinVar contains an entry for this variant (Variation ID: 2078647). Invitae Evidence Modeling of protein sequence and biophysical properties (such as structural, functional, and spatial information, amino acid conservation, physicochemical variation, residue mobility, and thermodynamic stability) indicates that this missense variant is not expected to disrupt TRPC3 protein function with a negative predictive value of 80%. In summary, the available evidence is currently insufficient to determine the role of this variant in disease. Therefore, it has been classified as a Variant of Uncertain Significance.

PreventionGenetics, part of Exact Sciences
Classification: Likely benign for TRPC3-related condition. Last evaluated: 2022-03-02. Review status: no assertion criteria provided. Collection method: clinical testing. Allele origin: germline. Not counted in ClinVar's aggregate classification.
Comment: This variant is classified as likely benign based on ACMG/AMP sequence variant interpretation guidelines (Richards et al. 2015 PMID: 25741868, with internal and published modifications).

NM_001130698.2(TRPC3):c.1156A>G (p.Ile386Val)

Gene: TRPC3 (transient receptor potential cation channel subfamily C member 3; minus strand). Cytogenetic location: 4q27.
Variant type: single nucleotide variant.
Coding change: c.1156A>G on transcript NM_001130698.2 (MANE Select); coding-DNA position 1156, A replaced by G.
Protein change: p.Ile386Val; replaces isoleucine 386 with valine.
Molecular consequence: missense variant.
Genome position (GRCh38, 1-based): chr4:121,925,038, T>C on the plus strand (A>G on the coding strand, the complement: TRPC3 is on the minus strand). VCF-style: chr4-121925038-T-C. GRCh37 (hg19) VCF-style: chr4-122846193-T-C.
Other names: c.1156A>G (NM_001130698.1); c.1156A>G, p.Ile386Val (NM_001366479.2); c.937A>G, p.Ile313Val (NM_003305.2); short protein forms I313V, I386V.
Identifiers: ClinVar variation 2078647 (VCV002078647.6), dbSNP rs144632591, ClinGen allele CA3065021.